The following is an entry in ClinVar:

NM_015662.3(IFT172):c.3877A>G (p.Ser1293Gly)

Genes: IFT172 (intraflagellar transport 172; minus strand), LOC126806173 (BRD4-independent group 4 enhancer GRCh37_chr2:27676057-27677256; plus strand). Cytogenetic location: 2p23.3.
Variant type: single nucleotide variant.
Coding change: c.3877A>G on transcript NM_015662.3 (MANE Select); coding-DNA position 3877, A replaced by G.
Protein change: p.Ser1293Gly; replaces serine 1293 with glycine.
Molecular consequence: missense variant.
Genome position (GRCh38, 1-based): chr2:27,453,458, T>C on the plus strand (A>G on the coding strand, the complement: IFT172 is on the minus strand). VCF-style: chr2-27453458-T-C. GRCh37 (hg19) VCF-style: chr2-27676325-T-C.
Other names: short protein forms S1293G.
Identifiers: ClinVar variation 941559 (VCV000941559.5), dbSNP rs780413940, ClinGen allele CA1579835.

ClinVar aggregate classification (germline): Uncertain significance. Review status: criteria provided, multiple submitters, no conflicts (2 of 4 stars). 2 submissions from 2 submitters: Uncertain significance (2). Last evaluated 2025-02-20.

Conditions:
IFT172-related disorder. Also called: IFT172-related disorders; IFT172-related condition.
Short-rib thoracic dysplasia 10 with or without polydactyly (SRTD10). Identifiers: Orphanet 474, MedGen C3810175, MONDO:0014284, OMIM 615630.
Retinitis pigmentosa 71 (RP71). Identifiers: Orphanet 791, MedGen C4225342, MONDO:0014618, OMIM 616394.

Allele frequency attached by ClinVar (database versions not stated): gnomAD exomes 0.00001 and below 0.00001; ExAC 0.00001.
gnomAD v4.1: 2 of 1,614,212 alleles (0.00012%); highest among the groups gnomAD compares: Admixed American, 0.0033%; no homozygotes.

Submissions (2):

PreventionGenetics, part of Exact Sciences
Classification: Uncertain significance for IFT172-related condition. Last evaluated: 2025-02-20. Review status: criteria provided, single submitter. Criteria: ACMG Guidelines, 2015. Collection method: clinical testing. Allele origin: germline.
Comment: The IFT172 c.3877A>G variant is predicted to result in the amino acid substitution p.Ser1293Gly. To our knowledge, this variant has not been reported in the literature. This variant is reported in 0.0058% of alleles in individuals of Latino descent in gnomAD. At this time, the clinical significance of this variant is uncertain due to the absence of conclusive functional and genetic evidence.

Labcorp Genetics (formerly Invitae), Labcorp
Classification: Uncertain significance for Retinitis pigmentosa 71; Short-rib thoracic dysplasia 10 with or without polydactyly. Last evaluated: 2022-08-21. Review status: criteria provided, single submitter. Criteria: Invitae Variant Classification Sherloc (09022015). Collection method: clinical testing. Allele origin: germline.
Comment: In summary, the available evidence is currently insufficient to determine the role of this variant in disease. Therefore, it has been classified as a Variant of Uncertain Significance. Algorithms developed to predict the effect of missense changes on protein structure and function output the following: SIFT: "Tolerated"; PolyPhen-2: "Benign"; Align-GVGD: "Class C0". The glycine amino acid residue is found in multiple mammalian species, which suggests that this missense change does not adversely affect protein function. ClinVar contains an entry for this variant (Variation ID: 941559). This variant has not been reported in the literature in individuals affected with IFT172-related conditions. This variant is present in population databases (rs780413940, gnomAD 0.006%). This sequence change replaces serine, which is neutral and polar, with glycine, which is neutral and non-polar, at codon 1293 of the IFT172 protein (p.Ser1293Gly).